The following is an entry in ClinVar:

ClinVar aggregate classification (germline): Uncertain significance. Review status: criteria provided, multiple submitters, no conflicts (2 of 4 stars). 3 submissions from 3 submitters: Uncertain significance (3). Last evaluated 2024-03-07.

Conditions:
Familial hypercholesterolemia. Also called: Familial hypercholesterolaemia; Familial hypercholesterolemias. Identifiers: MedGen C0020445, MONDO:0005439.
Hypercholesterolemia, autosomal dominant, 3 (FHCL3). Also called: Familial hypercholesterolemia 3; Familial Hypercholesterolemia, Autosomal Dominant, 3; PCSK9-Related Familial Hypercholesterolemia, Autosomal Dominant. Identifiers: MedGen C1863551, MONDO:0011369, OMIM 603776.

Allele frequency attached by ClinVar (database versions not stated): gnomAD exomes below 0.00001; TOPMed below 0.00001.
gnomAD v4.1: 2 of 1,613,200 alleles (0.00012%); highest among the groups gnomAD compares: Non-Finnish European, 0.00017%; no homozygotes.

Submissions (3):

Color Diagnostics, LLC DBA Color Health
Classification: Uncertain significance for Familial hypercholesterolemia. Last evaluated: 2024-03-07. Review status: criteria provided, single submitter. Criteria: ACMG Guidelines, 2015. Collection method: clinical testing. Allele origin: germline.
Comment: This missense variant replaces asparagine with tyrosine at codon 254 of the PCSK9 protein. Computational prediction suggests that this variant may have deleterious impact on protein structure and function (internally defined REVEL score threshold >= 0.7, PMID: 27666373). To our knowledge, functional studies have not been reported for this variant. This variant has not been reported in individuals affected with familial hypercholesterolemia in the literature. This variant has not been identified in the general population by the Genome Aggregation Database (gnomAD). The available evidence is insufficient to determine the role of this variant in disease conclusively. Therefore, this variant is classified as a Variant of Uncertain Significance.

All of Us Research Program, National Institutes of Health
Classification: Uncertain significance for Hypercholesterolemia, autosomal dominant, 3. Last evaluated: 2023-10-06. Review status: criteria provided, single submitter. Criteria: ACMG Guidelines, 2015. Collection method: clinical testing. Allele origin: germline. Inheritance: Autosomal dominant inheritance. Observed: 1 variant allele, 1 heterozygote.
Comment: This missense variant replaces asparagine with tyrosine at codon 254 of the PCSK9 protein. Computational prediction suggests that this variant may have deleterious impact on protein structure and function (internally defined REVEL score threshold >= 0.7, PMID: 27666373). To our knowledge, functional studies have not been reported for this variant. This variant has not been reported in individuals affected with familial hypercholesterolemia in the literature. This variant has not been identified in the general population by the Genome Aggregation Database (gnomAD). The available evidence is insufficient to determine the role of this variant in disease conclusively. Therefore, this variant is classified as a Variant of Uncertain Significance.

This study involves interpretation of variants in research participants for the purpose of population health screening. Participant phenotype was not available at the time of variant classification. Additional details can be found in publication PMID: 35346344, PMCID: PMC8962531

AiLife Diagnostics
Classification: Uncertain significance. Last evaluated: 2022-01-10. Review status: criteria provided, single submitter. Criteria: ACMG Guidelines, 2015. Collection method: clinical testing. Allele origin: germline. Affected: yes. Observed: 1 variant allele.

NM_174936.4(PCSK9):c.760A>T (p.Asn254Tyr)

Gene: PCSK9 (proprotein convertase subtilisin/kexin type 9; plus strand). Cytogenetic location: 1p32.3.
Variant type: single nucleotide variant.
Coding change: c.760A>T on transcript NM_174936.4 (MANE Select); coding-DNA position 760, A replaced by T.
Protein change: p.Asn254Tyr; replaces asparagine 254 with tyrosine.
Molecular consequence: missense variant.
Genome position (GRCh38, 1-based): chr1:55,052,752, A>T. VCF-style: chr1-55052752-A-T. GRCh37 (hg19) VCF-style: chr1-55518425-A-T.
Other names: c.883A>T, p.Asn295Tyr (NM_001407240.1); c.760A>T, p.Asn254Tyr (NM_001407241.1, NM_001407244.1, NM_001407247.1); c.763A>T, p.Asn255Tyr (NM_001407242.1); c.703A>T, p.Asn235Tyr (NM_001407243.1); c.568A>T, p.Asn190Tyr (NM_001407245.1); c.385A>T, p.Asn129Tyr (NM_001407246.1); short protein forms N254Y, N129Y, N190Y, N255Y, N295Y, N235Y.
Identifiers: ClinVar variation 1172467 (VCV001172467.7), dbSNP rs1644685146, ClinGen allele CA340474121.